The following is an entry in ClinVar:

ClinVar aggregate classification (germline): Benign. Review status: criteria provided, multiple submitters, no conflicts (2 of 4 stars). 4 submissions from 4 submitters: Benign (4). Last evaluated 2026-02-01.

Conditions:
Autosomal recessive nonsyndromic hearing loss 79. Identifiers: Orphanet 90636, MedGen C2750082, MONDO:0013215, OMIM 613307.

Allele frequency attached by ClinVar (database versions not stated): gnomAD exomes 0.00164 and 0.00338; ExAC 0.00702; ESP Exome Variant Server 0.01085; gnomAD 0.01524 and 0.01648; TOPMed 0.01745; 1000 Genomes Project 0.01877; 1000 Genomes Project 30x 0.02030.

Submissions (4):

Labcorp Genetics (formerly Invitae), Labcorp
Classification: Benign. Last evaluated: 2026-02-01. Review status: criteria provided, single submitter. Criteria: Invitae Variant Classification Sherloc (09022015). Collection method: clinical testing. Allele origin: germline.

ARUP Laboratories, Molecular Genetics and Genomics, ARUP Laboratories
Classification: Benign for Autosomal recessive nonsyndromic hearing loss 79. Last evaluated: 2023-11-22. Review status: criteria provided, single submitter. Criteria: ARUP Molecular Germline Variant Investigation Process 2024. Collection method: clinical testing. Allele origin: germline.

GeneDx
Classification: Benign. Last evaluated: 2017-11-15. Review status: criteria provided, single submitter. Criteria: GeneDx Variant Classification (06012015). Collection method: clinical testing. Allele origin: germline. Affected: yes.
Comment: This variant is considered likely benign or benign based on one or more of the following criteria: it is a conservative change, it occurs at a poorly conserved position in the protein, it is predicted to be benign by multiple in silico algorithms, and/or has population frequency not consistent with disease.

Breakthrough Genomics
Classification: Benign. Review status: criteria provided, single submitter. Criteria: ACMG Guidelines, 2015. Collection method: not provided. Allele origin: germline. Inheritance: Autosomal recessive inheritance. Affected: yes.

NM_001128228.3(TPRN):c.1073T>C (p.Leu358Pro)

Gene: TPRN (taperin; minus strand). Cytogenetic location: 9q34.3.
Variant type: single nucleotide variant.
Coding change: c.1073T>C on transcript NM_001128228.3 (MANE Select); coding-DNA position 1073, T replaced by C.
Protein change: p.Leu358Pro; replaces leucine 358 with proline.
Molecular consequence: missense variant.
Genome position (GRCh38, 1-based): chr9:137,199,639, A>G on the plus strand (T>C on the coding strand, the complement: TPRN is on the minus strand). VCF-style: chr9-137199639-A-G. GRCh37 (hg19) VCF-style: chr9-140094091-A-G.
Other names: short protein forms L358P.
Identifiers: ClinVar variation 513463 (VCV000513463.13), dbSNP rs60910563, ClinGen allele CA5362822.